The following is an entry in ClinVar:

ClinVar aggregate classification (germline): Pathogenic (1 of 4 stars; one submission).

Conditions:
heterogeneous nuclear ribonucleoprotein G, human.

Submission:

Labcorp Genetics (formerly Invitae), Labcorp
Classification: Pathogenic. Last evaluated: 2020-04-20. Review status: criteria provided, single submitter. Criteria: Invitae Variant Classification Sherloc (09022015). Collection method: clinical testing. Allele origin: germline.
Comment: This sequence change creates a premature translational stop signal (p.Ser188Cysfs*4) in the HNRNPU gene. It is expected to result in an absent or disrupted protein product. This variant is not present in population databases (ExAC no frequency). This variant has not been reported in the literature in individuals with HNRNPU-related conditions. Loss-of-function variants in HNRNPU are known to be pathogenic (PMID: 22678713, 28283832). For these reasons, this variant has been classified as Pathogenic.

Literature cited by the submitters: PubMed 22678713; PubMed 28283832.

NM_031844.3(HNRNPU):c.562_577del (p.Ser188fs)

Gene: HNRNPU (heterogeneous nuclear ribonucleoprotein U; minus strand). Cytogenetic location: 1q44.
Variant type: Deletion.
Coding change: c.562_577del on transcript NM_031844.3 (MANE Select); coding-DNA positions 562 to 577, 16 bases deleted (AGCGGCCCCACCTCGC).
Protein change: p.Ser188fs; shifts the reading frame from serine 188.
Molecular consequence: frameshift variant.
Genome position (GRCh38, 1-based): chr1:244,863,731-244,863,746, GCGAGGTGGGGCCGCT deleted on the plus strand (AGCGGCCCCACCTCGC on the coding strand, the reverse complement: HNRNPU is on the minus strand); deleting any 16 consecutive bases within chr1:244,863,731-244,863,748 gives the same sequence; the c. name uses the placement nearest the transcript's 3' end. VCF-style (leftmost placement, unchanged base first): chr1-244863730-AGCGAGGTGGGGCCGCT-A. GRCh37 (hg19) VCF-style: chr1-245027032-AGCGAGGTGGGGCCGCT-A.
Other names: c.562_577del, p.Ser188fs (NM_004501.3); short protein forms S188fs.
Identifiers: ClinVar variation 1074368 (VCV001074368.2), dbSNP rs2102990539, ClinGen allele CA2499214654.
Genomic context (GRCh38, chr1:244,863,730, plus strand): 5'-TTACCTCCCGCCTGCTGCTGGCCCTGCCTCGCCCCGGGCGGCGCCACCGTCACCGCGAAC[AGCGAGGTGGGGCCGCT>A]GCTCTTCCCCGCGGCCTCCTTGGCGGCCCCGCGCTGCTGTTGGGGCTGTTGCTGCTGCGT-3'